The following is an entry in ClinVar:

ClinVar aggregate classification (germline): Conflicting classifications of pathogenicity. Review status: criteria provided, conflicting classifications (1 of 4 stars). 2 submissions from 2 submitters: Uncertain significance (1); Likely benign (1). Last evaluated 2024-04-22.

Conditions:
Cardiovascular phenotype. Identifiers: MedGen CN230736.
Brugada syndrome. Also called: Sudden unexpected nocturnal death syndrome; Sudden unexplained nocturnal death syndrome; Sudden Unexplained Death Syndrome; Sudden Unexplained Nocturnal Death Syndrome (SUNDS). Identifiers: Orphanet 130, MedGen C1142166, MONDO:0015263.

Allele frequency attached by ClinVar (database versions not stated): TOPMed below 0.00001; gnomAD 0.00001.
gnomAD v4.1: 1 of 1,603,566 alleles (0.000062%); highest among the groups gnomAD compares: Admixed American, 0.0017%; no homozygotes.

Submissions (2):

Ambry Genetics
Classification: Likely benign for Cardiovascular phenotype. Last evaluated: 2024-04-22. Review status: criteria provided, single submitter. Criteria: Ambry Variant Classification Scheme 2023. Collection method: clinical testing. Allele origin: germline.

Labcorp Genetics (formerly Invitae), Labcorp
Classification: Uncertain significance for Brugada syndrome. Last evaluated: 2020-08-31. Review status: criteria provided, single submitter. Criteria: Invitae Variant Classification Sherloc (09022015). Collection method: clinical testing. Allele origin: germline.
Comment: This variant has not been reported in the literature in individuals with GPD1L-related conditions. This variant is not present in population databases (ExAC no frequency). This sequence change replaces lysine with arginine at codon 315 of the GPD1L protein (p.Lys315Arg). The lysine residue is moderately conserved and there is a small physicochemical difference between lysine and arginine. Algorithms developed to predict the effect of missense changes on protein structure and function (SIFT, PolyPhen-2, Align-GVGD) all suggest that this variant is likely to be tolerated, but these predictions have not been confirmed by published functional studies and their clinical significance is uncertain. In summary, the available evidence is currently insufficient to determine the role of this variant in disease. Therefore, it has been classified as a Variant of Uncertain Significance.

NM_015141.4(GPD1L):c.944A>G (p.Lys315Arg)

Gene: GPD1L (glycerol-3-phosphate dehydrogenase 1 like; plus strand). Cytogenetic location: 3p22.3.
Variant type: single nucleotide variant.
Coding change: c.944A>G on transcript NM_015141.4 (MANE Select); coding-DNA position 944, A replaced by G.
Protein change: p.Lys315Arg; replaces lysine 315 with arginine.
Molecular consequence: missense variant.
Genome position (GRCh38, 1-based): chr3:32,159,659, A>G. VCF-style: chr3-32159659-A-G. GRCh37 (hg19) VCF-style: chr3-32201151-A-G.
Other names: c.944A>G (NM_015141.3); short protein forms K315R.
Identifiers: ClinVar variation 1054485 (VCV001054485.6), dbSNP rs1559583375, ClinGen allele CA351969985.